The following is an entry in ClinVar:

GRCh37/hg19 3q26.33-27.2(chr3:181171210-184706091)x1

Genes: HTR3C (5-hydroxytryptamine receptor 3C; plus strand), YEATS2 (YEATS domain containing 2; plus strand), ABCF3 (ATP binding cassette subfamily F member 3; plus strand), SOX2-OT (SOX2 overlapping transcript; plus strand), PARL (presenilin associated rhomboid like; minus strand) and 31 more. Cytogenetic location: 3q26.33-27.2.
Variant type: copy number loss.
Change: copy number 1 (one copy instead of two) of chr3:181,171,210-184,706,091 (3.53 Mb, GRCh37 coordinates, 1-based), cytogenetic band 3q26.33-27.2.
Identifiers: ClinVar variation 986756 (VCV000986756.1).

ClinVar aggregate classification (germline): Pathogenic (0 of 4 stars; one submission).

Conditions:
Anophthalmia/microphthalmia-esophageal atresia syndrome (MCOPS3). Also called: MICROPHTHALMIA AND ESOPHAGEAL ATRESIA SYNDROME; AEG SYNDROME; SOX2 Disorder. Identifiers: Orphanet 77298, MedGen C1859773, MONDO:0008799, OMIM 206900.

Submission:

Anophthalmia/Microphthalmia Research Registry, Einstein Medical Center Philadelphia
Classification: Pathogenic for Anophthalmia/microphthalmia-esophageal atresia syndrome. Review status: no assertion criteria provided. Collection method: clinical testing. Allele origin: germline. Inheritance: Autosomal dominant inheritance. Affected: yes. Observed: 1 variant allele. Segregation with disease not observed.